The following is an entry in ClinVar:

NM_001384732.1(CPLANE1):c.2174T>C (p.Leu725Ser)

Gene: CPLANE1 (ciliogenesis and planar polarity effector complex subunit 1; minus strand). Cytogenetic location: 5p13.2.
Variant type: single nucleotide variant.
Coding change: c.2174T>C on transcript NM_001384732.1 (MANE Select); coding-DNA position 2174, T replaced by C.
Protein change: p.Leu725Ser; replaces leucine 725 with serine.
Molecular consequence: missense variant.
Genome position (GRCh38, 1-based): chr5:37,226,421, A>G on the plus strand (T>C on the coding strand, the complement: CPLANE1 is on the minus strand). VCF-style: chr5-37226421-A-G. GRCh37 (hg19) VCF-style: chr5-37226523-A-G.
Other names: c.2174T>C, p.Leu725Ser (NM_023073.4); c.2174T>C (NM_023073.3); short protein forms L725S.
Identifiers: ClinVar variation 1981597 (VCV001981597.4), dbSNP rs1175193491, ClinGen allele CA359495545.

ClinVar aggregate classification (germline): Uncertain significance. Review status: criteria provided, multiple submitters, no conflicts (2 of 4 stars). 2 submissions from 2 submitters: Uncertain significance (2). Last evaluated 2022-11-08.

Conditions:
Inborn genetic diseases. Identifiers: MedGen C0950123, MeSH D030342.

Allele frequency attached by ClinVar (database versions not stated): gnomAD exomes below 0.00001.
gnomAD v4.1: 2 of 1,551,270 alleles (0.00013%); highest among the groups gnomAD compares: Middle Eastern, 0.017%; no homozygotes.

Submissions (2):

Labcorp Genetics (formerly Invitae), Labcorp
Classification: Uncertain significance. Last evaluated: 2022-11-08. Review status: criteria provided, single submitter. Criteria: Invitae Variant Classification Sherloc (09022015). Collection method: clinical testing. Allele origin: germline.
Comment: This variant has not been reported in the literature in individuals affected with CPLANE1-related conditions. This sequence change replaces leucine, which is neutral and non-polar, with serine, which is neutral and polar, at codon 725 of the CPLANE1 protein (p.Leu725Ser). This variant is not present in population databases (gnomAD no frequency). Advanced modeling of protein sequence and biophysical properties (such as structural, functional, and spatial information, amino acid conservation, physicochemical variation, residue mobility, and thermodynamic stability) performed at Invitae indicates that this missense variant is not expected to disrupt CPLANE1 protein function. In summary, the available evidence is currently insufficient to determine the role of this variant in disease. Therefore, it has been classified as a Variant of Uncertain Significance.

Ambry Genetics
Classification: Uncertain significance for Inborn genetic diseases. Last evaluated: 2022-06-03. Review status: criteria provided, single submitter. Criteria: Ambry Variant Classification Scheme 2023. Collection method: clinical testing. Allele origin: germline.